The following is an entry in ClinVar:

ClinVar aggregate classification (germline): Uncertain significance (1 of 4 stars; one submission).

Submission:

Dasa
Classification: Uncertain significance. Last evaluated: 2025-08-02. Review status: criteria provided, single submitter. Criteria: DASA Assertion Criteria. Collection method: clinical testing. Allele origin: germline.
Comment: NM_212482.4(FN1):c.644G>T (p.Cys215Phe) is a missense variant that results in the substitution of cysteine with phenylalanine. This variant is absent from population databases. Computational prediction algorithms are consistent with a deleterious effect. The currently available literature and clinical evidence are not sufficient to establish a definitive association between this variant and the reported condition. Therefore, this variant is classified as a variant of uncertain significance.

NM_212482.4(FN1):c.644G>T (p.Cys215Phe)

Gene: FN1 (fibronectin 1; minus strand). Cytogenetic location: 2q35.
Variant type: single nucleotide variant.
Coding change: c.644G>T on transcript NM_212482.4 (MANE Select); coding-DNA position 644, G replaced by T.
Protein change: p.Cys215Phe; replaces cysteine 215 with phenylalanine.
Molecular consequence: missense variant.
Genome position (GRCh38, 1-based): chr2:215,430,756, C>A on the plus strand (G>T on the coding strand, the complement: FN1 is on the minus strand). VCF-style: chr2-215430756-C-A. GRCh37 (hg19) VCF-style: chr2-216295479-C-A.
Other names: c.644G>T, p.Cys215Phe (NM_001306131.2, NM_001306132.2, NM_001365517.2 and 14 more transcripts); short protein forms C215F.
Identifiers: ClinVar variation 4882010 (VCV004882010.2).